The following is an entry in ClinVar:

ClinVar aggregate classification (germline): Uncertain significance (1 of 4 stars; one submission).

Allele frequency attached by ClinVar (database versions not stated): gnomAD exomes below 0.00001; gnomAD 0.00001; TOPMed 0.00001; ExAC 0.00002; ESP Exome Variant Server 0.00008.
gnomAD v4.1: 9 of 1,613,786 alleles (0.00056%); highest among the groups gnomAD compares: Non-Finnish European, 0.00076%; no homozygotes.

Submission:

Labcorp Genetics (formerly Invitae), Labcorp
Classification: Uncertain significance. Last evaluated: 2023-05-23. Review status: criteria provided, single submitter. Criteria: Invitae Variant Classification Sherloc (09022015). Collection method: clinical testing. Allele origin: germline.
Comment: This sequence change replaces glutamic acid, which is acidic and polar, with glutamine, which is neutral and polar, at codon 100 of the PRPF3 protein (p.Glu100Gln). This variant is present in population databases (rs148554092, gnomAD 0.002%). This variant has not been reported in the literature in individuals affected with PRPF3-related conditions. An algorithm developed to predict the effect of missense changes on protein structure and function (PolyPhen-2) suggests that this variant is likely to be tolerated. In summary, the available evidence is currently insufficient to determine the role of this variant in disease. Therefore, it has been classified as a Variant of Uncertain Significance.

NM_004698.4(PRPF3):c.298G>C (p.Glu100Gln)

Gene: PRPF3 (pre-mRNA processing factor 3; plus strand). Cytogenetic location: 1q21.2.
Variant type: single nucleotide variant.
Coding change: c.298G>C on transcript NM_004698.4 (MANE Select); coding-DNA position 298, G replaced by C.
Protein change: p.Glu100Gln; replaces glutamic acid 100 with glutamine.
Molecular consequence: missense variant. On other transcripts: 5 prime UTR variant (1), non-coding transcript variant (4).
Genome position (GRCh38, 1-based): chr1:150,328,341, G>C. VCF-style: chr1-150328341-G-C. GRCh37 (hg19) VCF-style: chr1-150300800-G-C.
Other names: c.-108G>C (NM_001350529.1); short protein forms E100Q.
Identifiers: ClinVar variation 2758916 (VCV002758916.3), dbSNP rs148554092, ClinGen allele CA1075416.
Genomic context (GRCh38, chr1:150,328,341, plus strand): 5'-GGAGGGATACAGCTTTTCTTTCATCTTGGGTTCCCTTAGGAGGTGTTTGGTGATGACTCT[G>C]AGATCTCTAAAGAATCATCAGGAGTAAAGAAGCGACGAATACCCCGTTTTGAGGAGGTGG-3'
Protein context (NP_004689.1, residues 90-110): ELKEVFGDDS[Glu100Gln]ISKESSGVKK